The following is an entry in ClinVar:

ClinVar aggregate classification (germline): Pathogenic. Review status: criteria provided, multiple submitters, no conflicts (2 of 4 stars). 2 submissions from 2 submitters: Pathogenic (2). Last evaluated 2024-08-17.

Conditions:
Hyper-IgM syndrome type 1. Also called: Hyper-IgM Immunodeficiency Syndrome, Type 1; CD40 Ligand Deficiency; X-linked hyper-IgM syndrome; Immunodeficiency, X-linked, with hyper-IgM. Identifiers: Orphanet 101088, MedGen C0398689, MONDO:0010626, OMIM 308230.

Submissions (2):

Labcorp Genetics (formerly Invitae), Labcorp
Classification: Pathogenic for Hyper-IgM syndrome type 1. Last evaluated: 2024-08-17. Review status: criteria provided, single submitter. Criteria: Invitae Variant Classification Sherloc (09022015). Collection method: clinical testing. Allele origin: germline.
Comment: This sequence change creates a premature translational stop signal (p.Cys218*) in the CD40LG gene. While this is not anticipated to result in nonsense mediated decay, it is expected to disrupt the last 44 amino acid(s) of the CD40LG protein. This variant is not present in population databases (gnomAD no frequency). This premature translational stop signal has been observed in individual(s) with hyper IgM syndrome (PMID: 9150729, 29245273, 34114358, 34982304). ClinVar contains an entry for this variant (Variation ID: 2431619). For these reasons, this variant has been classified as Pathogenic.

Laboratorio de Genetica e Diagnostico Molecular, Hospital Israelita Albert Einstein
Classification: Pathogenic for Hyper-IgM syndrome type 1. Last evaluated: 2022-08-11. Review status: criteria provided, single submitter. Criteria: ACMG Guidelines, 2015. Collection method: clinical testing. Allele origin: germline. Affected: yes. Observed: 1 variant allele.
Comment: ACMG classification criteria: PVS1 strong, PS4 strong, PM2 moderated

Literature cited by the submitters: PubMed 9150729 (cited by Labcorp Genetics (formerly Invitae), Labcorp); PubMed 29245273 (cited by Labcorp Genetics (formerly Invitae), Labcorp); PubMed 34114358 (cited by Labcorp Genetics (formerly Invitae), Labcorp); PubMed 34982304 (cited by Labcorp Genetics (formerly Invitae), Labcorp).

NM_000074.3(CD40LG):c.654C>A (p.Cys218Ter)

Gene: CD40LG (CD40 ligand; plus strand). Cytogenetic location: Xq26.3.
Variant type: single nucleotide variant.
Coding change: c.654C>A on transcript NM_000074.3 (MANE Select); coding-DNA position 654, C replaced by A.
Protein change: p.Cys218Ter; replaces cysteine 218 with a stop codon.
Molecular consequence: nonsense.
Genome position (GRCh38, 1-based): chrX:136,659,283, C>A. VCF-style: chrX-136659283-C-A. GRCh37 (hg19) VCF-style: chrX-135741442-C-A.
Other names: short protein forms C218*.
Identifiers: ClinVar variation 2431619 (VCV002431619.3), dbSNP rs368157256, ClinGen allele CA414756333.
Genomic context (GRCh38, chrX:136,659,283, plus strand): 5'-CGGTAGATTCGAGAGAATCTTACTCAGAGCTGCAAATACCCACAGTTCCGCCAAACCTTG[C>A]GGGCAACAATCCATTCACTTGGGAGGAGTATTTGAATTGCAACCAGGTGCTTCGGTGTTT-3'